The following is an entry in ClinVar:

ClinVar aggregate classification (germline): Benign/Likely benign. Review status: criteria provided, multiple submitters, no conflicts (2 of 4 stars). 3 submissions from 3 submitters: Benign (1); Likely benign (2). Last evaluated 2024-09-11.

Conditions:
Hereditary cancer-predisposing syndrome. Also called: Hereditary Cancer Syndrome; Neoplastic Syndromes, Hereditary; Tumor predisposition; Hereditary neoplastic syndrome. Identifiers: Orphanet 140162, MedGen C0027672, MeSH D009386, MONDO:0015356.
Hereditary diffuse gastric adenocarcinoma (HDGC). Also called: DIFFUSE GASTRIC AND LOBULAR BREAST CANCER SYNDROME. Identifiers: Orphanet 26106, MedGen C1708349, MONDO:0007648, OMIM 137215.

Allele frequency attached by ClinVar (database versions not stated): TOPMed 0.00001.

Submissions (3):

Myriad Genetics, Inc.
Classification: Benign for Hereditary diffuse gastric adenocarcinoma. Last evaluated: 2024-09-11. Review status: criteria provided, single submitter. Criteria: Myriad Autosomal Dominant, Autosomal Recessive and X-Linked Classification Criteria (2023). Collection method: clinical testing. Allele origin: unknown.
Comment: This variant is considered benign. This variant is a silent/synonymous amino acid change and it is not expected to impact splicing.

Labcorp Genetics (formerly Invitae), Labcorp
Classification: Likely benign for Hereditary diffuse gastric adenocarcinoma. Last evaluated: 2020-11-27. Review status: criteria provided, single submitter. Criteria: Invitae Variant Classification Sherloc (09022015). Collection method: clinical testing. Allele origin: germline.

Ambry Genetics
Classification: Likely benign for Hereditary cancer-predisposing syndrome. Last evaluated: 2014-07-17. Review status: criteria provided, single submitter. Criteria: Ambry Variant Classification Scheme 2023. Collection method: clinical testing. Allele origin: germline.

NM_004360.5(CDH1):c.75G>A (p.Pro25=)

Gene: CDH1 (cadherin 1; plus strand). Cytogenetic location: 16q22.1.
Variant type: single nucleotide variant.
Coding change: c.75G>A on transcript NM_004360.5 (MANE Select); coding-DNA position 75, G replaced by A.
Protein change: p.Pro25=; no amino-acid change (proline 25 retained).
Molecular consequence: synonymous variant. On other transcripts: 5 prime UTR variant (2).
Genome position (GRCh38, 1-based): chr16:68,738,323, G>A. VCF-style: chr16-68738323-G-A. GRCh37 (hg19) VCF-style: chr16-68772226-G-A.
Other names: c.75G>A, p.Pro25= (NM_001317184.2); c.-1541G>A (NM_001317185.2); c.-1745G>A (NM_001317186.2); c.75G>A (LRG_301t1).
Identifiers: ClinVar variation 185752 (VCV000185752.14), dbSNP rs786202428, ClinGen allele CA192832.